The following is an entry in ClinVar:

ClinVar aggregate classification (germline): Conflicting classifications of pathogenicity. Review status: criteria provided, conflicting classifications (1 of 4 stars). 20 submissions from 20 submitters: Likely pathogenic (9); Uncertain significance (9); Likely benign (1). 1 of the submissions does not count toward it. Last evaluated 2026-09-11.

Conditions:
PKHD1-related disorder. Also called: PKHD1-related condition.
Polycystic kidney disease 4 (PKD4). Also called: PKD3; POLYCYSTIC KIDNEY AND HEPATIC DISEASE 1; POLYCYSTIC KIDNEY DISEASE, INFANTILE, TYPE I; Autosomal Recessive Polycystic Kidney Disease – PKHD1; POLYCYSTIC KIDNEY DISEASE 4 WITH OR WITHOUT POLYCYSTIC LIVER DISEASE. Identifiers: MedGen C4540575, MONDO:0033004, OMIM 263200.
Autosomal recessive polycystic kidney disease (ARPKD). Also called: AR polycystic kidney disease. Identifiers: Orphanet 731, Orphanet 8378, MedGen C0085548, MeSH D017044, MONDO:0009889.
Incidental Discovery. Identifiers: MedGen C1135954.

Allele frequency attached by ClinVar (database versions not stated): 1000 Genomes Project 0.00040; TOPMed 0.00069; 1000 Genomes Project 30x 0.00047; gnomAD exomes 0.00088 and 0.00074; gnomAD 0.00054 and 0.00056; ExAC 0.00070; ESP Exome Variant Server 0.00115.
gnomAD v4.1: 1,374 of 1,614,140 alleles (0.085%); highest among the groups gnomAD compares: Middle Eastern, 0.31%; no homozygotes.

Submissions 1 to 11 of 20:

PreventionGenetics, part of Exact Sciences
Classification: Likely pathogenic for PKHD1-related condition. Last evaluated: 2026-09-11. Review status: criteria provided, single submitter. Criteria: ACMG Guidelines, 2015. Collection method: clinical testing. Allele origin: germline.
Comment: The PKHD1 c.5134G>A variant is predicted to result in the amino acid substitution p.Gly1712Arg. This variant has been reported along with a second PKHD1 variant in individuals with polycystic kidney disease (Gunay-Aygun et al. 2010. PubMed ID: 19914852; Table S1, Bullich et al. 2018. PubMed ID: 29801666; Table S2, Schueler et al. 2016. PubMed ID: 26673778; Table S2, Denamur et al. 2010. PubMed ID: 19940839; Table S6, El Naofal et al. 2023. PubMed ID: 36703223; Table S3, Dorielle et al. 2023. PubMed ID: 36938085; Table S3, Mallawaarachchi et al. 2021. PubMed ID: 33437033; Baldridge et al. 2017. PubMed ID: 28252636; Alhaddad et al. 2024. PubMed ID: 39071699; Izzi et al. 2022. PubMed ID: 35497784). This variant is reported in 0.48% of alleles in individuals of Ashkenazi Jewish descent in gnomAD, indicating it is relatively common. This variant is interpreted as likely pathogenic.

Labcorp Genetics (formerly Invitae), Labcorp
Classification: Likely benign for Autosomal recessive polycystic kidney disease. Last evaluated: 2026-02-04. Review status: criteria provided, single submitter. Criteria: Invitae Variant Classification Sherloc (09022015). Collection method: clinical testing. Allele origin: germline.

Clinical Genetics Laboratory, Skane University Hospital Lund
Classification: Likely pathogenic for Incidental Discovery. Last evaluated: 2025-12-12. Review status: criteria provided, single submitter. Criteria: ACMG Guidelines, 2015. Collection method: clinical testing. Allele origin: germline. Inheritance: Autosomal recessive inheritance. Affected: yes.
Comment: ACMG criteria used: PM2, PM3_Strong, PP3

3billion
Classification: Uncertain significance for Polycystic kidney disease 4. Last evaluated: 2025-11-09. Review status: criteria provided, single submitter. Criteria: ACMG Guidelines, 2015. Collection method: clinical testing. Allele origin: germline. Affected: yes.
Comment: The variant is observed at an extremely low frequency in the gnomAD v4.1.0 dataset (total allele frequency: 0.085%). Predicted Consequence/Location: Missense variant. The majority of the known disease-causing variants of this gene are variants expected to result in premature termination of the protein. In silico tool predictions suggest damaging effect of the variant on gene or gene product [REVEL: 0.77 (>=0.6, sensitivity 0.68 and specificity 0.92); 3Cnet: 0.99 (> 0.75, sensitivity 0.96 and precision 0.92)]. The variant has been reported as benign without evidence for the classification (ClinVar ID: VCV000286651). Therefore, this variant is classified as VUS according to the recommendation of ACMG/AMP guideline.

Centre for Clinical Genetics and Genomic Diagnostics, Zealand University Hospital
Classification: Likely pathogenic. Last evaluated: 2025-09-26. Review status: criteria provided, single submitter. Criteria: ACMG Guidelines, 2015. Collection method: clinical testing. Allele origin: germline. Affected: yes.

Women's Health and Genetics/Laboratory Corporation of America, LabCorp
Classification: Uncertain significance. Last evaluated: 2025-08-07. Review status: criteria provided, single submitter. Criteria: LabCorp Variant Classification Summary - May 2015. Collection method: clinical testing. Allele origin: germline.
Comment: Variant summary: PKHD1 c.5134G>A (p.Gly1712Arg) results in a non-conservative amino acid change in the encoded protein sequence. Algorithms developed to predict the effect of missense changes on protein structure and function all suggest that this variant is likely to be disruptive. The variant allele was found at a frequency of 0.00074 in 251314 control chromosomes. This frequency is not significantly higher than estimated for a pathogenic variant in PKHD1 causing Polycystic Kidney And Hepatic Disease (0.0071), however we note a relatively high frequency in certain subpopulations (0.003-0.004 predominantly among the Middle Eastern and Ashkenazi-Jewish subpopulations). This control data allows no conclusion about variant significance. c.5134G>A has been observed in the literature in multiple presumed or confirmed compound heterozygous individuals affected with clinical features of Polycystic Kidney And Hepatic Disease (example: Gunay-Aygun_2010, Denamur_2010, Bullich_2018, Schueler_2016, Baldridge_2017, Mallawaarachchi_2021, El Naofal_2023, Alhaddad_2024), including at least 1 family where this variant segregated with disease (example: Alhaddad_2024) and several of these cases were reported to carry a pathogenic variant in trans. However, due to the lack of well-defined segregation studies for this variant, particularly among high frequency subpopulations, we suggest these data indicate the variant is possibly associated with disease, but a benign impact cannot be entirely ruled out. To our knowledge, no experimental evidence demonstrating an impact on protein function has been reported. The following publications have been ascertained in the context of this evaluation (PMID: 39071699, 28252636, 29801666, 33940108, 19940839, 36938085, 36703223, 20413436, 19914852, 35497784, 35497799, 33437033, 26673778). ClinVar contains an entry for this variant (Variation ID: 286651). Based on the evidence outlined above, the variant was classified as VUS-possibly pathogenic.

Victorian Clinical Genetics Services, Murdoch Childrens Research Institute
Classification: Likely pathogenic for Polycystic kidney disease 4. Last evaluated: 2025-06-27. Review status: criteria provided, single submitter. Criteria: ACMG Guidelines, 2015. Collection method: clinical testing. Allele origin: germline. Affected: yes.
Comment: This variant is classified as Likely pathogenic. Evidence in support of pathogenic classification: Variant is present in gnomAD <0.01 for a recessive condition (v4: 1374 heterozygote(s), 0 homozygote(s)); This variant has strong previous evidence of pathogenicity in unrelated individuals. This variant has been classified as pathogenic, likely pathogenic and VUS by clinical laboratories (ClinVar). This variant has been observed in a compound heterozygous state in multiple unrelated individuals with polycystic kidney disease, including some severe early onset reports (PMID: 36703223, 33437033, 26673778, 19914852, 29801666, 39071699; 28252636). However, it has also been observed in a homozygous or compound heterozygous state in two individuals with other causative variants (PMID: 38843839; 35497784) and a homozygous or compound heterozygous state in two individuals without kidney disease (PMID: 30145809; 31308072). Additional information: Variant is predicted to result in a missense amino acid change from glycine to arginine; This variant is heterozygous; This gene is associated with autosomal recessive disease; however, there are emerging reports of heterozygous carriers of PKHD1 variants developing liver cysts and nephrocalcinosis (PMID: 21945273, 36691356); No comparable missense variants have previous evidence for pathogenicity; Variant is not located in an established domain, motif, hotspot or informative constraint region; Missense variant with conflicting in silico predictions and uninformative conservation; Loss of function is a known mechanism of disease in this gene and is associated with polycystic kidney disease 4, with or without hepatic disease (MIM#263200); Variants in this gene are known to have variable expressivity. Significant intrafamilial variability has been reported (PMID: 20301501); Inheritance information for this variant is not currently available in this individual.

Revvity Omics, Revvity
Classification: Likely pathogenic for Polycystic kidney disease 4. Last evaluated: 2025-04-17. Review status: criteria provided, single submitter. Criteria: ACMG Guidelines, 2015. Collection method: clinical testing. Allele origin: germline.

First Genomix Gene Laboratory, Genetic Diagnostics Department
Classification: Likely pathogenic for Polycystic kidney disease 4. Last evaluated: 2025-03-20. Review status: criteria provided, single submitter. Criteria: ACMG Guidelines, 2015. Collection method: clinical testing. Allele origin: germline. Inheritance: Autosomal recessive inheritance. Affected: no. Observed: 1 variant allele.

Blueprint Genetics
Classification: Uncertain significance. Last evaluated: 2024-11-23. Review status: criteria provided, single submitter. Criteria: ACMG Guidelines, 2015. Collection method: clinical testing. Allele origin: germline.

Fulgent Genetics
Classification: Uncertain significance for Polycystic kidney disease 4. Last evaluated: 2024-06-14. Review status: criteria provided, single submitter. Criteria: ACMG Guidelines, 2015. Collection method: clinical testing. Allele origin: germline.

NM_138694.4(PKHD1):c.5134G>A (p.Gly1712Arg)

Genes: PKHD1 (PKHD1 ciliary IPT domain containing fibrocystin/polyductin; minus strand), LOC126859690 (MED14-independent group 3 enhancer GRCh37_chr6:51888848-51890047; plus strand). Cytogenetic location: 6p12.2.
Variant type: single nucleotide variant.
Coding change: c.5134G>A on transcript NM_138694.4 (MANE Select); coding-DNA position 5134, G replaced by A.
Protein change: p.Gly1712Arg; replaces glycine 1712 with arginine.
Molecular consequence: missense variant.
Genome position (GRCh38, 1-based): chr6:52,024,676, C>T on the plus strand (G>A on the coding strand, the complement: PKHD1 is on the minus strand). VCF-style: chr6-52024676-C-T. GRCh37 (hg19) VCF-style: chr6-51889474-C-T.
Other names: c.5134G>A, p.Gly1712Arg (NM_170724.3); short protein forms G1712R.
Identifiers: ClinVar variation 286651 (VCV000286651.52), dbSNP rs141103838, ClinGen allele CA3852602.
Genomic context (GRCh38, chr6:52,024,676, plus strand): 5'-ACACCAGGGCAGATGAGGCCCACCCTCTGATGCAGTCATAGCCTCTGACGTGGTACTCCC[C>T]GGCCGGAAGGGAAGGGACCACGCACTGAAGAACGGTGTGGTTACCAGAGACACCCACACA-3'
Protein context (NP_619639.3, residues 1702-1722): LQCVVPSLPA[Gly1712Arg]EYHVRGYDCI